The following is an entry in ClinVar:

NM_001330311.2(DVL1):c.1066C>T (p.Arg356Trp)

Gene: DVL1 (dishevelled segment polarity protein 1; minus strand). Cytogenetic location: 1p36.33.
Variant type: single nucleotide variant.
Coding change: c.1066C>T on transcript NM_001330311.2 (MANE Select); coding-DNA position 1066, C replaced by T.
Protein change: p.Arg356Trp; replaces arginine 356 with tryptophan.
Molecular consequence: missense variant.
Genome position (GRCh38, 1-based): chr1:1,339,428, G>A on the plus strand (C>T on the coding strand, the complement: DVL1 is on the minus strand). VCF-style: chr1-1339428-G-A. GRCh37 (hg19) VCF-style: chr1-1274808-G-A.
Other names: c.1066C>T, p.Arg356Trp (NM_004421.3); short protein forms R356W.
Identifiers: ClinVar variation 3715733 (VCV003715733.2).

ClinVar aggregate classification (germline): Uncertain significance (1 of 4 stars; one submission).

gnomAD v4.1: 13 of 1,546,546 alleles (0.00084%); highest among the groups gnomAD compares: South Asian, 0.0012%; no homozygotes.

Submission:

Labcorp Genetics (formerly Invitae), Labcorp
Classification: Uncertain significance. Last evaluated: 2024-09-29. Review status: criteria provided, single submitter. Criteria: Invitae Variant Classification Sherloc (09022015). Collection method: clinical testing. Allele origin: germline.
Comment: This sequence change replaces arginine, which is basic and polar, with tryptophan, which is neutral and slightly polar, at codon 356 of the DVL1 protein (p.Arg356Trp). The frequency data for this variant in the population databases is considered unreliable, as metrics indicate poor data quality at this position in the gnomAD database. This variant has not been reported in the literature in individuals affected with DVL1-related conditions. Invitae Evidence Modeling of protein sequence and biophysical properties (such as structural, functional, and spatial information, amino acid conservation, physicochemical variation, residue mobility, and thermodynamic stability) has been performed for this missense variant. However, the output from this modeling did not meet the statistical confidence thresholds required to predict the impact of this variant on DVL1 protein function. In summary, the available evidence is currently insufficient to determine the role of this variant in disease. Therefore, it has been classified as a Variant of Uncertain Significance.